The following is an entry in ClinVar:

NM_000238.4(KCNH2):c.301A>G (p.Lys101Glu)

Gene: KCNH2 (potassium voltage-gated channel subfamily H member 2; minus strand). Cytogenetic location: 7q36.1.
Variant type: single nucleotide variant.
Coding change: c.301A>G on transcript NM_000238.4 (MANE Select); coding-DNA position 301, A replaced by G.
Protein change: p.Lys101Glu; replaces lysine 101 with glutamic acid.
Molecular consequence: missense variant.
Genome position (GRCh38, 1-based): chr7:150,974,717, T>C on the plus strand (A>G on the coding strand, the complement: KCNH2 is on the minus strand). VCF-style: chr7-150974717-T-C. GRCh37 (hg19) VCF-style: chr7-150671805-T-C.
Other names: p.K101E:AAA>GAA; c.301A>G (LRG_288t1); c.124A>G, p.Lys42Glu (NM_001406755.1); c.301A>G, p.Lys101Glu (NM_172056.3); short protein forms K101E, K42E.
Identifiers: ClinVar variation 67462 (VCV000067462.11), dbSNP rs199472856, ClinGen allele CA007817.

ClinVar aggregate classification (germline): Conflicting classifications of pathogenicity. Review status: criteria provided, conflicting classifications (1 of 4 stars). 4 submissions from 4 submitters: Pathogenic (2); Uncertain significance (1). 1 of the submissions does not count toward it. Last evaluated 2025-09-10.

Conditions:
Familial long QT syndrome (RWS). Also called: Congenital long QT syndrome; Romano-Ward syndrome; VENTRICULAR FIBRILLATION WITH PROLONGED QT INTERVAL. Identifiers: Orphanet 768, MedGen C1141890, MONDO:0019171.
Long QT syndrome (LQTS). Identifiers: MedGen C0023976, MeSH D008133, MONDO:0002442. Disease mechanism: loss of function. Inheritance: Various modes of inheritance.
Short QT syndrome type 1. Identifiers: Orphanet 51083, MedGen C1865020, MONDO:0012312, OMIM 609620.

Submissions (4):

Labcorp Genetics (formerly Invitae), Labcorp
Classification: Uncertain significance for Long QT syndrome. Last evaluated: 2025-09-10. Review status: criteria provided, single submitter. Criteria: Invitae Variant Classification Sherloc (09022015). Collection method: clinical testing. Allele origin: germline.
Comment: This sequence change replaces lysine, which is basic and polar, with glutamic acid, which is acidic and polar, at codon 101 of the KCNH2 protein (p.Lys101Glu). This variant is not present in population databases (gnomAD no frequency). This missense change has been observed in individual(s) with prolonged QT interval (PMID: 15670565, 24606995, 35688147). ClinVar contains an entry for this variant (Variation ID: 67462). An algorithm developed to predict the effect of missense changes on protein structure and function (PolyPhen-2) suggests that this variant is likely to be disruptive. Experimental studies have shown that this missense change affects KCNH2 function (PMID: 25417810, 35688148). In summary, the available evidence is currently insufficient to determine the role of this variant in disease. Therefore, it has been classified as a Variant of Uncertain Significance.

GeneDx
Classification: Pathogenic. Last evaluated: 2025-04-24. Review status: criteria provided, single submitter. Criteria: GeneDx Variant Classification Process June 2021. Collection method: clinical testing. Allele origin: germline. Affected: yes.
Comment: Published functional studies demonstrate that this variant is deficient in trafficking and has reduced current density (PMID: 35688148, 25417810); Not observed at significant frequency in large population cohorts (gnomAD); In silico analysis supports that this missense variant has a deleterious effect on protein structure/function; This variant is associated with the following publications: (PMID: 11668638, 11468227, 25417810, 16540748, 28235848, 35688147, 37896769, 32431610, 31043699, 37187232, 35688148, 32475984, 24606995, 37324772, 15670565)

Mendelics
Classification: Pathogenic for Short QT syndrome type 1. Last evaluated: 2022-05-04. Review status: criteria provided, single submitter. Criteria: Mendelics Assertion Criteria 2019. Collection method: clinical testing. Allele origin: germline.

Cardiovascular Biomedical Research Unit, Royal Brompton & Harefield NHS Foundation Trust
No classification provided. Condition: Familial long QT syndrome. Review status: no classification provided. Collection method: literature only. Allele origin: germline. Not counted in ClinVar's aggregate classification.
Comment: This variant has been reported as associated with Long QT syndrome in the following publications (PMID:11468227;PMID:11668638;PMID:15670565). This is a literature report, and does not necessarily reflect the clinical interpretation of the Imperial College / Royal Brompton Cardiovascular Genetics laboratory.

Literature cited by the submitters: PubMed 15670565 (cited by Labcorp Genetics (formerly Invitae), Labcorp and Cardiovascular Biomedical Research Unit, Royal Brompton & Harefield NHS Foundation Trust); PubMed 24606995 (cited by Labcorp Genetics (formerly Invitae), Labcorp); PubMed 35688147 (cited by Labcorp Genetics (formerly Invitae), Labcorp); PubMed 25417810 (cited by Labcorp Genetics (formerly Invitae), Labcorp); PubMed 35688148 (cited by Labcorp Genetics (formerly Invitae), Labcorp); PubMed 11468227 (cited by Cardiovascular Biomedical Research Unit, Royal Brompton & Harefield NHS Foundation Trust); PubMed 11668638 (cited by Cardiovascular Biomedical Research Unit, Royal Brompton & Harefield NHS Foundation Trust); PubMed 22581653 (cited by Cardiovascular Biomedical Research Unit, Royal Brompton & Harefield NHS Foundation Trust).